The following is an entry in ClinVar:

NM_000051.4(ATM):c.2156C>G (p.Ser719Ter)

Gene: ATM (ATM serine/threonine kinase; plus strand). Cytogenetic location: 11q22.3.
Variant type: single nucleotide variant.
Coding change: c.2156C>G on transcript NM_000051.4 (MANE Select); coding-DNA position 2156, C replaced by G.
Protein change: p.Ser719Ter; replaces serine 719 with a stop codon.
Molecular consequence: nonsense.
Genome position (GRCh38, 1-based): chr11:108,256,246, C>G. VCF-style: chr11-108256246-C-G. GRCh37 (hg19) VCF-style: chr11-108126973-C-G.
Other names: c.2156C>G, p.Ser719Ter (NM_001351834.2); short protein forms S719*.
Identifiers: ClinVar variation 5031445 (VCV005031445.1).
Genomic context (GRCh38, chr11:108,256,246, plus strand): 5'-ATATATTTTTATTTGTGGTTTACTTTAAGATTACAAATTCAGAAACTCTTGTCCGGTGTT[C>G]ACGTCTTTTGGTGGGTGTCCTTGGCTGCTACTGTTACATGGGTGTAATAGCTGAAGAGGA-3'

ClinVar aggregate classification (germline): Pathogenic (1 of 4 stars; one submission).

Conditions:
Hereditary cancer-predisposing syndrome. Also called: Neoplastic Syndromes, Hereditary; Tumor predisposition; Hereditary neoplastic syndrome; Hereditary Cancer Syndrome. Identifiers: Orphanet 140162, MedGen C0027672, MeSH D009386, MONDO:0015356.

Submission:

Ambry Genetics
Classification: Pathogenic for Hereditary cancer-predisposing syndrome. Last evaluated: 2026-07-06. Review status: criteria provided, single submitter. Criteria: Ambry Variant Classification Scheme 2023. Collection method: clinical testing. Allele origin: germline.
Comment: The p.S719* pathogenic mutation (also known as c.2156C>G), located in coding exon 13 of the ATM gene, results from a C to G substitution at nucleotide position 2156. This changes the amino acid from a serine to a stop codon within coding exon 13. This variant is considered to be rare based on population cohorts in the Genome Aggregation Database (gnomAD). This variant is expected to result in loss of function by premature protein truncation or nonsense-mediated mRNA decay. As such, this variant is interpreted as a disease-causing mutation.